The following is an entry in ClinVar:

NM_178857.6(RP1L1):c.302_303delinsTG (p.Cys101Leu)

Gene: RP1L1 (RP1 like 1). Cytogenetic location: 8p23.1.
Variant type: Indel.
Coding change: c.302_303delinsTG on transcript NM_178857.6 (MANE Select); coding-DNA positions 302 to 303, the reference bases replaced by TG.
Protein change: p.Cys101Leu; replaces cysteine 101 with leucine.
Molecular consequence: missense variant.
Genome position: GRCh38 VCF-style: chr8-10622899-GC-CA. GRCh37 (hg19) VCF-style: chr8-10480409-GC-CA.
Other names: short protein forms C101L.
Identifiers: ClinVar variation 1519909 (VCV001519909.7), dbSNP rs2117226528, ClinGen allele CA2573142553.

ClinVar aggregate classification (germline): Uncertain significance. Review status: criteria provided, multiple submitters, no conflicts (2 of 4 stars). 2 submissions from 2 submitters: Uncertain significance (2). Last evaluated 2024-12-31.

Submissions (2):

Labcorp Genetics (formerly Invitae), Labcorp
Classification: Uncertain significance. Last evaluated: 2024-12-31. Review status: criteria provided, single submitter. Criteria: Invitae Variant Classification Sherloc (09022015). Collection method: clinical testing. Allele origin: germline.
Comment: This sequence change replaces cysteine, which is neutral and slightly polar, with leucine, which is neutral and non-polar, at codon 101 of the RP1L1 protein (p.Cys101Leu). This variant is present in population databases (no rsID available, gnomAD 0.005%). This variant has not been reported in the literature in individuals affected with RP1L1-related conditions. ClinVar contains an entry for this variant (Variation ID: 1519909). An algorithm developed to predict the effect of missense changes on protein structure and function (PolyPhen-2) suggests that this variant is likely to be disruptive. In summary, the available evidence is currently insufficient to determine the role of this variant in disease. Therefore, it has been classified as a Variant of Uncertain Significance.

Blueprint Genetics
Classification: Uncertain significance. Last evaluated: 2023-04-05. Review status: criteria provided, single submitter. Criteria: ACMG Guidelines, 2015. Collection method: clinical testing. Allele origin: germline.